The following is an entry in ClinVar:

NM_014363.6(SACS):c.13252_13253del (p.Glu4418fs)

Gene: SACS (sacsin molecular chaperone; minus strand). Cytogenetic location: 13q12.12.
Variant type: Deletion.
Coding change: c.13252_13253del on transcript NM_014363.6 (MANE Select); coding-DNA positions 13252 to 13253, 2 bases deleted (GA; older notation c.13252_13253delGA).
Protein change: p.Glu4418fs; shifts the reading frame from glutamic acid 4418.
Molecular consequence: frameshift variant.
Genome position (GRCh38, 1-based): chr13:23,330,623-23,330,624, TC deleted on the plus strand (GA on the coding strand, the reverse complement: SACS is on the minus strand); deleting any 2 consecutive bases within chr13:23,330,623-23,330,625 gives the same sequence; the c. name uses the placement nearest the transcript's 3' end. VCF-style (leftmost placement, unchanged base first): chr13-23330622-TTC-T. GRCh37 (hg19) VCF-style: chr13-23904761-TTC-T.
Other names: c.12811_12812del, p.Glu4271fs (NM_001278055.2); short protein forms E4271fs, E4418fs.
Identifiers: ClinVar variation 848193 (VCV000848193.11), dbSNP rs1883405453, ClinGen allele CA916083348.

ClinVar aggregate classification (germline): Pathogenic/Likely pathogenic. Review status: criteria provided, multiple submitters, no conflicts (2 of 4 stars). 2 submissions from 2 submitters: Pathogenic (1); Likely pathogenic (1). Last evaluated 2023-09-27.

Conditions:
Charlevoix-Saguenay spastic ataxia (SACS). Also called: SPASTIC ATAXIA 6, AUTOSOMAL RECESSIVE; AUTOSOMAL RECESSIVE SPASTIC ATAXIA OF CHARLEVOIX-SAGUENAY; Spastic ataxia of Charlevoix-Saguenay. Identifiers: Orphanet 98, MedGen C1849140, MONDO:0010041, OMIM 270550.
Spastic paraplegia. Identifiers: MedGen C0037772, HP:0001258.

Submissions (2):

Baylor Genetics
Classification: Likely pathogenic for Charlevoix-Saguenay spastic ataxia. Last evaluated: 2023-09-27. Review status: criteria provided, single submitter. Criteria: ACMG Guidelines, 2015. Collection method: clinical testing. Allele origin: unknown.

Labcorp Genetics (formerly Invitae), Labcorp
Classification: Pathogenic for Spastic paraplegia. Last evaluated: 2019-12-21. Review status: criteria provided, single submitter. Criteria: Invitae Variant Classification Sherloc (09022015). Collection method: clinical testing. Allele origin: germline.
Comment: For these reasons, this variant has been classified as Pathogenic. This variant disrupts the C-terminus of the SACS protein. Other variant(s) that disrupt this region (p.Asn4549Asp, p.Glu4510Argfs*4) have been determined to be pathogenic (PMID: 21507954, 15156359, 29915382). This suggests that variants that disrupt this region of the protein are likely to be causative of disease. This variant has not been reported in the literature in individuals with SACS-related conditions. This variant is not present in population databases (ExAC no frequency). This sequence change results in a premature translational stop signal in the SACS gene (p.Glu4418Lysfs*46). While this is not anticipated to result in nonsense mediated decay, it is expected to disrupt the last 162 amino acids of the SACS protein.

Literature cited by the submitters: PubMed 21507954 (cited by Labcorp Genetics (formerly Invitae), Labcorp); PubMed 15156359 (cited by Labcorp Genetics (formerly Invitae), Labcorp); PubMed 29915382 (cited by Labcorp Genetics (formerly Invitae), Labcorp).